The following is an entry in ClinVar:

NM_006939.4(SOS2):c.3338-141G>C

Gene: SOS2 (SOS Ras/Rho guanine nucleotide exchange factor 2; minus strand). Cytogenetic location: 14q21.3.
Variant type: single nucleotide variant.
Coding change: c.3338-141G>C on transcript NM_006939.4 (MANE Select); 141 bases into the intron before coding-DNA position 3338, G replaced by C.
Molecular consequence: intron variant.
Genome position (GRCh38, 1-based): chr14:50,130,143, C>G on the plus strand (G>C on the coding strand, the complement: SOS2 is on the minus strand). VCF-style: chr14-50130143-C-G. GRCh37 (hg19) VCF-style: chr14-50596861-C-G.
Identifiers: ClinVar variation 561624 (VCV000561624.2), dbSNP rs190371489, ClinGen allele CA260713539.
Genomic context (GRCh38, chr14:50,130,143, plus strand): 5'-TAATACACAGTGCAGAATTTTATCATCATCTTTTGCCATGTTAGTTTTTTAAAAAATTAA[C>G]TCAGAACCTTCTGTATCTAGAATGGTTTTCCTTCTTAGCATTAAGTGGTTCCCCCTCTAT-3'

ClinVar aggregate classification (germline): Likely benign. Review status: criteria provided, multiple submitters, no conflicts (2 of 4 stars). 2 submissions from 2 submitters: Likely benign (2). Last evaluated 2018-06-14.

Allele frequency attached by ClinVar (database versions not stated): 1000 Genomes Project 30x 0.00781; 1000 Genomes Project 0.00839; TOPMed 0.01878; gnomAD 0.02040 and 0.02127; gnomAD exomes 0.02472.
gnomAD v4.1: 14,241 of 606,244 alleles (2.3%); highest among the groups gnomAD compares: Non-Finnish European, 3.1%; 249 homozygotes.

Submissions (2):

GeneDx
Classification: Likely benign. Last evaluated: 2018-06-14. Review status: criteria provided, single submitter. Criteria: GeneDx Variant Classification (06012015). Collection method: clinical testing. Allele origin: germline. Affected: yes.
Comment: This variant is considered likely benign or benign based on one or more of the following criteria: it is a conservative change, it occurs at a poorly conserved position in the protein, it is predicted to be benign by multiple in silico algorithms, and/or has population frequency not consistent with disease.

Breakthrough Genomics
Classification: Likely benign. Review status: criteria provided, single submitter. Criteria: ACMG Guidelines, 2015. Collection method: not provided. Allele origin: germline. Inheritance: Autosomal dominant inheritance. Affected: yes.